The following is an entry in ClinVar:

ClinVar aggregate classification (germline): Benign/Likely benign. Review status: criteria provided, multiple submitters, no conflicts (2 of 4 stars). 7 submissions from 7 submitters: Benign (3); Likely benign (4). Last evaluated 2026-10-01.

Conditions:
Leber congenital amaurosis 12 (LCA12). Identifiers: Orphanet 65, MedGen C1857743, MONDO:0012525, OMIM 610612.

Allele frequency attached by ClinVar (database versions not stated): 1000 Genomes Project 30x 0.00250; 1000 Genomes Project 0.00280; TOPMed 0.00774; ESP Exome Variant Server 0.00854; gnomAD exomes 0.00889 and 0.01020; gnomAD 0.00999 and 0.01101; ExAC 0.01069.
gnomAD v4.1: 16,173 of 1,596,836 alleles (1%); highest among the groups gnomAD compares: Non-Finnish European, 1.1%; 116 homozygotes.

Submissions (7):

CeGaT Center for Human Genetics Tuebingen
Classification: Benign. Last evaluated: 2026-10-01. Review status: criteria provided, single submitter. Criteria: CeGaT Center For Human Genetics Tuebingen Variant Classification Criteria Version 2. Collection method: clinical testing. Allele origin: germline. Affected: yes. Observed: 3 variant alleles.
Comment: RD3: BP4, BS1, BS2

Labcorp Genetics (formerly Invitae), Labcorp
Classification: Benign for Leber congenital amaurosis 12. Last evaluated: 2026-02-04. Review status: criteria provided, single submitter. Criteria: Invitae Variant Classification Sherloc (09022015). Collection method: clinical testing. Allele origin: germline.

Women's Health and Genetics/Laboratory Corporation of America, LabCorp
Classification: Likely benign. Last evaluated: 2021-12-10. Review status: criteria provided, single submitter. Criteria: LabCorp Variant Classification Summary - May 2015. Collection method: clinical testing. Allele origin: germline.

Center for Pediatric Genomic Medicine, Children's Mercy Hospital and Clinics
Classification: Likely benign. Last evaluated: 2017-06-19. Review status: criteria provided, single submitter. Criteria: ACMG Guidelines, 2015. Collection method: clinical testing. Allele origin: germline.

Illumina Laboratory Services, Illumina
Classification: Likely benign for Leber congenital amaurosis 12. Last evaluated: 2017-04-27. Review status: criteria provided, single submitter. Criteria: ICSL Variant Classification Criteria 13 December 2019. Collection method: clinical testing. Allele origin: germline.
Comment: This variant was observed as part of a predisposition screen in an ostensibly healthy population. A literature search was performed for the gene, cDNA change, and amino acid change (where applicable). Publications were found based on this search. The evidence from the literature, in combination with allele frequency data from public databases where available, was sufficient to determine this variant is unlikely to cause disease. Therefore, this variant is classified as likely benign.

Eurofins Ntd Llc (ga)
Classification: Benign. Last evaluated: 2017-04-14. Review status: criteria provided, single submitter. Criteria: EGL Classification Definitions 2015. Collection method: clinical testing. Allele origin: germline. Observed: 1 variant allele, 1 heterozygote.

Breakthrough Genomics
Classification: Likely benign. Review status: criteria provided, single submitter. Criteria: ACMG Guidelines, 2015. Collection method: not provided. Allele origin: germline. Inheritance: Autosomal recessive inheritance. Affected: yes.

Literature cited by the submitters: PubMed 17186464 (cited by Illumina Laboratory Services, Illumina); PubMed 24265693 (cited by Illumina Laboratory Services, Illumina).

NM_001164688.2(RD3):c.584A>T (p.Asp195Val)

Gene: RD3 (RD3 regulator of GUCY2D; minus strand). Cytogenetic location: 1q32.3.
Variant type: single nucleotide variant.
Coding change: c.584A>T on transcript NM_001164688.2 (MANE Select); coding-DNA position 584, A replaced by T.
Protein change: p.Asp195Val; replaces aspartic acid 195 with valine.
Molecular consequence: missense variant.
Genome position (GRCh38, 1-based): chr1:211,479,040, T>A on the plus strand (A>T on the coding strand, the complement: RD3 is on the minus strand). VCF-style: chr1-211479040-T-A. GRCh37 (hg19) VCF-style: chr1-211652382-T-A.
Other names: c.584A>T, p.Asp195Val (NM_183059.3); short protein forms D195V.
Identifiers: ClinVar variation 445480 (VCV000445480.23), dbSNP rs143207434, ClinGen allele CA1381037.
Genomic context (GRCh38, chr1:211,479,040, plus strand): 5'-CGGCCTATCATTCCCCCTGCAGAAGGCTCCGCTTCTGGGCAGGGAAGCGGCCGGGGTCAG[T>A]CGGCTTTGGGCGCCCGGAATTCGGGCATGCTCCAGGACCGCAGTGGCGGCGGTGTGTCCC-3'
Protein context (NP_001158160.1, residues 185-195): SMPEFRAPKA[Asp195Val]